The following is an entry in ClinVar:

NM_017866.6(TMEM70):c.110C>G (p.Ser37Cys)

Gene: TMEM70 (transmembrane protein 70; plus strand). Cytogenetic location: 8q21.11.
Variant type: single nucleotide variant.
Coding change: c.110C>G on transcript NM_017866.6 (MANE Select); coding-DNA position 110, C replaced by G.
Protein change: p.Ser37Cys; replaces serine 37 with cysteine.
Molecular consequence: missense variant. On other transcripts: non-coding transcript variant (1).
Genome position (GRCh38, 1-based): chr8:73,976,391, C>G. VCF-style: chr8-73976391-C-G. GRCh37 (hg19) VCF-style: chr8-74888626-C-G.
Other names: c.110C>G (NM_017866.5); c.110C>G, p.Ser37Cys (NM_001040613.3); short protein forms S37C.
Identifiers: ClinVar variation 1417538 (VCV001417538.6), dbSNP rs762522077, ClinGen allele CA4783953.

ClinVar aggregate classification (germline): Uncertain significance. Review status: criteria provided, multiple submitters, no conflicts (2 of 4 stars). 2 submissions from 2 submitters: Uncertain significance (2). Last evaluated 2023-11-02.

Conditions:
Mitochondrial complex V (ATP synthase) deficiency, nuclear type 2. Also called: Nuclear-Encoded ATPase Deficiency, TMEM70-Related; ENCEPHALOCARDIOMYOPATHY, MITOCHONDRIAL, NEONATAL, DUE TO ATP SYNTHASE DEFICIENCY; MITOCHONDRIAL COMPLEX V (ATP SYNTHASE) DEFICIENCY, TMEM70 TYPE. Identifiers: Orphanet 1194, MedGen C3279699, MONDO:0013546, OMIM 614052.
Inborn genetic diseases. Identifiers: MedGen C0950123, MeSH D030342.

Allele frequency attached by ClinVar (database versions not stated): ExAC 0.00001; gnomAD exomes 0.00002.
gnomAD v4.1: 4 of 1,591,898 alleles (0.00025%); highest among the groups gnomAD compares: East Asian, 0.009%; no homozygotes.

Submissions (2):

Ambry Genetics
Classification: Uncertain significance for Inborn genetic diseases. Last evaluated: 2023-11-02. Review status: criteria provided, single submitter. Criteria: Ambry Variant Classification Scheme 2023. Collection method: clinical testing. Allele origin: germline.

Labcorp Genetics (formerly Invitae), Labcorp
Classification: Uncertain significance for Mitochondrial complex V (ATP synthase) deficiency, nuclear type 2. Last evaluated: 2022-07-19. Review status: criteria provided, single submitter. Criteria: Invitae Variant Classification Sherloc (09022015). Collection method: clinical testing. Allele origin: germline.
Comment: In summary, the available evidence is currently insufficient to determine the role of this variant in disease. Therefore, it has been classified as a Variant of Uncertain Significance. Algorithms developed to predict the effect of missense changes on protein structure and function output the following: SIFT: "Tolerated"; PolyPhen-2: "Possibly Damaging"; Align-GVGD: "Class C0". The cysteine amino acid residue is found in multiple mammalian species, which suggests that this missense change does not adversely affect protein function. ClinVar contains an entry for this variant (Variation ID: 1417538). This variant has not been reported in the literature in individuals affected with TMEM70-related conditions. This variant is present in population databases (rs762522077, gnomAD 0.03%). This sequence change replaces serine, which is neutral and polar, with cysteine, which is neutral and slightly polar, at codon 37 of the TMEM70 protein (p.Ser37Cys).